The following is an entry in ClinVar:

NM_002890.3(RASA1):c.2145A>C (p.Glu715Asp)

Genes: CCNH (cyclin H; minus strand), RASA1 (RAS p21 protein activator 1; plus strand). Cytogenetic location: 5q14.3.
Variant type: single nucleotide variant.
Coding change: c.2145A>C on transcript NM_002890.3 (MANE Select); coding-DNA position 2145, A replaced by C.
Protein change: p.Glu715Asp; replaces glutamic acid 715 with aspartic acid.
Molecular consequence: missense variant. On other transcripts: intron variant (1).
Genome position (GRCh38, 1-based): chr5:87,376,526, A>C. VCF-style: chr5-87376526-A-C. GRCh37 (hg19) VCF-style: chr5-86672343-A-C.
Other names: c.1614A>C, p.Glu538Asp (NM_022650.3); c.933+18518T>G (NM_001364075.2); short protein forms E538D, E715D.
Identifiers: ClinVar variation 1999163 (VCV001999163.4), dbSNP rs2531347889, ClinGen allele CA360379344.

ClinVar aggregate classification (germline): Uncertain significance (1 of 4 stars; one submission).

Conditions:
Capillary malformation-arteriovenous malformation syndrome. Also called: Capillary malformation-arteriovenous malformation. Identifiers: Orphanet 137667, MedGen C1842180, MONDO:0012016.

Submission:

Labcorp Genetics (formerly Invitae), Labcorp
Classification: Uncertain significance for Capillary malformation-arteriovenous malformation syndrome. Last evaluated: 2022-05-26. Review status: criteria provided, single submitter. Criteria: Invitae Variant Classification Sherloc (09022015). Collection method: clinical testing. Allele origin: germline.
Comment: This sequence change replaces glutamic acid, which is acidic and polar, with aspartic acid, which is acidic and polar, at codon 715 of the RASA1 protein (p.Glu715Asp). This variant is not present in population databases (gnomAD no frequency). This variant has not been reported in the literature in individuals affected with RASA1-related conditions. Algorithms developed to predict the effect of missense changes on protein structure and function are either unavailable or do not agree on the potential impact of this missense change (SIFT: "Tolerated"; PolyPhen-2: "Probably Damaging"; Align-GVGD: "Class C0"). In summary, the available evidence is currently insufficient to determine the role of this variant in disease. Therefore, it has been classified as a Variant of Uncertain Significance.